The following is an entry in ClinVar:

NM_001130144.3(LTBP3):c.2345G>A (p.Ser782Asn)

Genes: LTBP3 (latent transforming growth factor beta binding protein 3; minus strand), LOC130006029 (ATAC-STARR-seq lymphoblastoid silent region 3532; plus strand). Cytogenetic location: 11q13.1.
Variant type: single nucleotide variant.
Coding change: c.2345G>A on transcript NM_001130144.3 (MANE Select); coding-DNA position 2345, G replaced by A.
Protein change: p.Ser782Asn; replaces serine 782 with asparagine.
Molecular consequence: missense variant.
Genome position (GRCh38, 1-based): chr11:65,546,450, C>T on the plus strand (G>A on the coding strand, the complement: LTBP3 is on the minus strand). VCF-style: chr11-65546450-C-T. GRCh37 (hg19) VCF-style: chr11-65313921-C-T.
Other names: c.1994G>A, p.Ser665Asn (NM_001164266.1); c.2345G>A, p.Ser782Asn (NM_021070.4); c.2345G>A (NM_001130144.2); short protein forms S782N, S665N.
Identifiers: ClinVar variation 2867221 (VCV002867221.4), dbSNP rs1387730966, ClinGen allele CA381269590.

ClinVar aggregate classification (germline): Uncertain significance. Review status: criteria provided, multiple submitters, no conflicts (2 of 4 stars). 2 submissions from 2 submitters: Uncertain significance (2). Last evaluated 2024-08-04.

Conditions:
Brachyolmia-amelogenesis imperfecta syndrome. Also called: PLATYSPONDYLY WITH AMELOGENESIS IMPERFECTA; Tooth agenesis, selective, 6; Dental anomalies and short stature. Identifiers: Orphanet 2899, MedGen C1832594, MONDO:0011018, OMIM 601216. Disease mechanism: loss of function.
Inborn genetic diseases. Identifiers: MedGen C0950123, MeSH D030342.

gnomAD v4.1: 3 of 1,564,046 alleles (0.00019%); highest among the groups gnomAD compares: Non-Finnish European, 0.000086%; no homozygotes.

Submissions (2):

Labcorp Genetics (formerly Invitae), Labcorp
Classification: Uncertain significance for Brachyolmia-amelogenesis imperfecta syndrome. Last evaluated: 2024-08-04. Review status: criteria provided, single submitter. Criteria: Invitae Variant Classification Sherloc (09022015). Collection method: clinical testing. Allele origin: germline.
Comment: This sequence change replaces serine, which is neutral and polar, with asparagine, which is neutral and polar, at codon 782 of the LTBP3 protein (p.Ser782Asn). This variant is present in population databases (no rsID available, gnomAD 0.01%). This variant has not been reported in the literature in individuals affected with LTBP3-related conditions. An algorithm developed to predict the effect of missense changes on protein structure and function (PolyPhen-2) suggests that this variant is likely to be tolerated. In summary, the available evidence is currently insufficient to determine the role of this variant in disease. Therefore, it has been classified as a Variant of Uncertain Significance.

Ambry Genetics
Classification: Uncertain significance for Inborn genetic diseases. Last evaluated: 2023-10-02. Review status: criteria provided, single submitter. Criteria: Ambry Variant Classification Scheme 2023. Collection method: clinical testing. Allele origin: germline.
Comment: The p.S782N variant (also known as c.2345G>A), located in coding exon 16 of the LTBP3 gene, results from a G to A substitution at nucleotide position 2345. The serine at codon 782 is replaced by asparagine, an amino acid with highly similar properties. This amino acid position is conserved. In addition, this alteration is predicted to be tolerated by in silico analysis. Since supporting evidence is limited at this time, the clinical significance of this alteration remains unclear.